The following is an entry in ClinVar:

NM_014283.5(SUCO):c.338C>G (p.Thr113Arg)

Gene: SUCO (SUN domain containing ossification factor; plus strand). Cytogenetic location: 1q24.3.
Variant type: single nucleotide variant.
Coding change: c.338C>G on transcript NM_014283.5 (MANE Select); coding-DNA position 338, C replaced by G.
Protein change: p.Thr113Arg; replaces threonine 113 with arginine.
Molecular consequence: missense variant. On other transcripts: 5 prime UTR variant (1).
Genome position (GRCh38, 1-based): chr1:172,555,918, C>G. VCF-style: chr1-172555918-C-G. GRCh37 (hg19) VCF-style: chr1-172525058-C-G.
Other names: c.227C>G, p.Thr76Arg (NM_001282750.2); c.-1192C>G (NM_001282751.2); c.812C>G, p.Thr271Arg (NM_016227.4); short protein forms T113R, T271R, T76R.
Identifiers: ClinVar variation 3725275 (VCV003725275.2).
Genomic context (GRCh38, chr1:172,555,918, plus strand): 5'-TTTTTAAACAGAATACAGAGTCAAAAAAGTTAAGTCCACCGGTGGTGGAGACACTCCCTA[C>G]AGTTGATTTGCATGAAGAGTCTTCCAATGCAGTTGTGGACAGTGAAACTGTTGAAAATAT-3'
Protein context (NP_055098.1, residues 103-123): LSPPVVETLP[Thr113Arg]VDLHEESSNA

ClinVar aggregate classification (germline): Uncertain significance (1 of 4 stars; one submission).

Submission:

Labcorp Genetics (formerly Invitae), Labcorp
Classification: Uncertain significance. Last evaluated: 2024-11-14. Review status: criteria provided, single submitter. Criteria: Invitae Variant Classification Sherloc (09022015). Collection method: clinical testing. Allele origin: germline.
Comment: This sequence change replaces threonine, which is neutral and polar, with arginine, which is basic and polar, at codon 113 of the SUCO protein (p.Thr113Arg). This variant is not present in population databases (gnomAD no frequency). This variant has not been reported in the literature in individuals affected with SUCO-related conditions. An algorithm developed to predict the effect of missense changes on protein structure and function (PolyPhen-2) suggests that this variant is likely to be tolerated. In summary, the available evidence is currently insufficient to determine the role of this variant in disease. Therefore, it has been classified as a Variant of Uncertain Significance.